The following is an entry in ClinVar:

ClinVar aggregate classification (germline): Uncertain significance (1 of 4 stars; one submission).

Conditions:
Severe combined immunodeficiency due to DNA-PKcs deficiency. Also called: Immunodeficiency 26 with or without neurologic abnormalities; IMMUNODEFICIENCY 26 WITH NEUROLOGIC ABNORMALITIES. Identifiers: Orphanet 317425, MedGen C4014833, MONDO:0014423, OMIM 615966.

Submission:

Labcorp Genetics (formerly Invitae), Labcorp
Classification: Uncertain significance for Severe combined immunodeficiency due to DNA-PKcs deficiency. Last evaluated: 2022-05-12. Review status: criteria provided, single submitter. Criteria: Invitae Variant Classification Sherloc (09022015). Collection method: clinical testing. Allele origin: germline.
Comment: In summary, the available evidence is currently insufficient to determine the role of this variant in disease. Therefore, it has been classified as a Variant of Uncertain Significance. Experimental studies and prediction algorithms are not available or were not evaluated, and the functional significance of this variant is currently unknown. This variant has not been reported in the literature in individuals affected with PRKDC-related conditions. This variant is not present in population databases (gnomAD no frequency). This sequence change replaces phenylalanine, which is neutral and non-polar, with leucine, which is neutral and non-polar, at codon 3554 of the PRKDC protein (p.Phe3554Leu).

NM_006904.7(PRKDC):c.10662T>G (p.Phe3554Leu)

Gene: PRKDC (protein kinase, DNA-activated, catalytic subunit; minus strand). Cytogenetic location: 8q11.21.
Variant type: single nucleotide variant.
Coding change: c.10662T>G on transcript NM_006904.7 (MANE Select); coding-DNA position 10662, T replaced by G.
Protein change: p.Phe3554Leu; replaces phenylalanine 3554 with leucine.
Molecular consequence: missense variant.
Genome position (GRCh38, 1-based): chr8:47,794,298, A>C on the plus strand (T>G on the coding strand, the complement: PRKDC is on the minus strand). VCF-style: chr8-47794298-A-C. GRCh37 (hg19) VCF-style: chr8-48706859-A-C.
Other names: c.10662T>G, p.Phe3554Leu (NM_001081640.2); short protein forms F3554L.
Identifiers: ClinVar variation 2134156 (VCV002134156.4), dbSNP rs2551861977, ClinGen allele CA371133496.